The following is an entry in ClinVar:

NM_000548.5(TSC2):c.289G>A (p.Ala97Thr)

Gene: TSC2 (TSC complex subunit 2; plus strand). Cytogenetic location: 16p13.3.
Variant type: single nucleotide variant.
Coding change: c.289G>A on transcript NM_000548.5 (MANE Select); coding-DNA position 289, G replaced by A.
Protein change: p.Ala97Thr; replaces alanine 97 with threonine.
Molecular consequence: missense variant. On other transcripts: intron variant (2).
Genome position (GRCh38, 1-based): chr16:2,053,405, G>A. VCF-style: chr16-2053405-G-A. GRCh37 (hg19) VCF-style: chr16-2103406-G-A.
Other names: c.289G>A, p.Ala97Thr (NM_001370404.1, NM_001370405.1, NM_021055.3 and 3 more transcripts); c.226-891G>A (NM_001318827.2); c.-1-2791G>A (NM_001318831.2); c.142G>A, p.Ala48Thr (NM_001318829.2); c.322G>A, p.Ala108Thr (NM_001318832.2); c.289G>A (NM_000548.3); short protein forms A108T, A48T, A97T.
Identifiers: ClinVar variation 1024008 (VCV001024008.11), dbSNP rs1446873736, ClinGen allele CA394305770.

ClinVar aggregate classification (germline): Uncertain significance. Review status: criteria provided, multiple submitters, no conflicts (2 of 4 stars). 2 submissions from 2 submitters: Uncertain significance (2). Last evaluated 2024-08-14.

Conditions:
Tuberous sclerosis 2 (TSC2). Identifiers: Orphanet 805, MedGen C1860707, MONDO:0013199, OMIM 613254.
Hereditary cancer-predisposing syndrome. Also called: Hereditary neoplastic syndrome; Neoplastic Syndromes, Hereditary; Tumor predisposition; Hereditary Cancer Syndrome. Identifiers: Orphanet 140162, MedGen C0027672, MeSH D009386, MONDO:0015356.

Submissions (2):

Ambry Genetics
Classification: Uncertain significance for Hereditary cancer-predisposing syndrome. Last evaluated: 2024-08-14. Review status: criteria provided, single submitter. Criteria: Ambry Variant Classification Scheme 2023. Collection method: clinical testing. Allele origin: germline.
Comment: The p.A97T variant (also known as c.289G>A), located in coding exon 3 of the TSC2 gene, results from a G to A substitution at nucleotide position 289. The alanine at codon 97 is replaced by threonine, an amino acid with similar properties. This amino acid position is highly conserved in available vertebrate species. In addition, the in silico prediction for this alteration is inconclusive. Based on the available evidence, the clinical significance of this variant remains unclear.

Labcorp Genetics (formerly Invitae), Labcorp
Classification: Uncertain significance for Tuberous sclerosis 2. Last evaluated: 2022-10-08. Review status: criteria provided, single submitter. Criteria: Invitae Variant Classification Sherloc (09022015). Collection method: clinical testing. Allele origin: germline.
Comment: In summary, the available evidence is currently insufficient to determine the role of this variant in disease. Therefore, it has been classified as a Variant of Uncertain Significance. Advanced modeling of protein sequence and biophysical properties (such as structural, functional, and spatial information, amino acid conservation, physicochemical variation, residue mobility, and thermodynamic stability) performed at Invitae indicates that this missense variant is not expected to disrupt TSC2 protein function. ClinVar contains an entry for this variant (Variation ID: 1024008). This variant has not been reported in the literature in individuals affected with TSC2-related conditions. This variant is not present in population databases (gnomAD no frequency). This sequence change replaces alanine, which is neutral and non-polar, with threonine, which is neutral and polar, at codon 97 of the TSC2 protein (p.Ala97Thr).